The following is an entry in ClinVar:

ClinVar aggregate classification (germline): Likely benign (1 of 4 stars; one submission).

Conditions:
Intellectual disability, autosomal dominant 14 (CSS2). Also called: COFFIN-SIRIS SYNDROME 2. Identifiers: Orphanet 1465, MedGen C3553247, MONDO:0013819, OMIM 614607.

Submission:

Centre for Medical Genetics,  Mumbai
Classification: Likely benign for Intellectual disability, autosomal dominant 14. Last evaluated: 2026-01-04. Review status: criteria provided, single submitter. Criteria: ACMG Guidelines, 2015. Collection method: provider interpretation. Allele origin: germline. Inheritance: Autosomal dominant inheritance. Affected: no. Observed: 1 heterozygote.
Comment: The variant satisfies PM2 criteria - absent in gnomAD database. The variant satisfies PP2 criteria - Missense variant in a gene with low rate of benign missense mutations and for which missense mutation is a common mechanism of a disease. However, the variant satisfies BS2 criteria - Observed in a healthy adult individual for a recessive (homozygous), dominant (heterozygous), or X-linked (hemizygous) disorder, with full penetrance expected at an early age.

Literature cited by the submitters: PubMed 25168959.

NM_006015.6(ARID1A):c.3774C>A (p.Asp1258Glu)

Gene: ARID1A (AT-rich interaction domain 1A; plus strand). Cytogenetic location: 1p36.11.
Variant type: single nucleotide variant.
Coding change: c.3774C>A on transcript NM_006015.6 (MANE Select); coding-DNA position 3774, C replaced by A.
Protein change: p.Asp1258Glu; replaces aspartic acid 1258 with glutamic acid.
Molecular consequence: missense variant.
Genome position (GRCh38, 1-based): chr1:26,773,404, C>A. VCF-style: chr1-26773404-C-A. GRCh37 (hg19) VCF-style: chr1-27099895-C-A.
Other names: c.3774C>A, p.Asp1258Glu (NM_139135.4); short protein forms D1258E.
Identifiers: ClinVar variation 4685527 (VCV004685527.1).